The following is an entry in ClinVar:

ClinVar aggregate classification (germline): Uncertain significance (1 of 4 stars; one submission).

Submission:

Women's Health and Genetics/Laboratory Corporation of America, LabCorp
Classification: Uncertain significance. Last evaluated: 2024-10-24. Review status: criteria provided, single submitter. Criteria: LabCorp Variant Classification Summary - May 2015. Collection method: clinical testing. Allele origin: germline.
Comment: Variant summary: ALPK1 c.1078G>A (p.Gly360Ser) results in a non-conservative amino acid change in the encoded protein sequence. Four of five in-silico tools predict a benign effect of the variant on protein function. The variant allele was found at a frequency of 4e-06 in 251144 control chromosomes. The available data on variant occurrences in the general population are insufficient to allow any conclusion about variant significance. To our knowledge, no occurrence of c.1078G>A in individuals affected with Retinal dystrophy, optic nerve edema, splenomegaly, anhidrosis, and migraine headache syndrome and no experimental evidence demonstrating its impact on protein function have been reported. No submitters have cited clinical-significance assessments for this variant to ClinVar. Based on the evidence outlined above, the variant was classified as uncertain significance.

NM_025144.4(ALPK1):c.1078G>A (p.Gly360Ser)

Gene: ALPK1 (alpha kinase 1; plus strand). Cytogenetic location: 4q25.
Variant type: single nucleotide variant.
Coding change: c.1078G>A on transcript NM_025144.4 (MANE Select); coding-DNA position 1078, G replaced by A.
Protein change: p.Gly360Ser; replaces glycine 360 with serine.
Molecular consequence: missense variant.
Genome position (GRCh38, 1-based): chr4:112,430,625, G>A. VCF-style: chr4-112430625-G-A. GRCh37 (hg19) VCF-style: chr4-113351781-G-A.
Other names: c.1078G>A, p.Gly360Ser (NM_001102406.2); c.844G>A, p.Gly282Ser (NM_001253884.2); short protein forms G282S, G360S.
Identifiers: ClinVar variation 3385111 (VCV003385111.1).